The following is an entry in ClinVar:

ClinVar aggregate classification (germline): Pathogenic (1 of 4 stars; one submission).

Submission:

Labcorp Genetics (formerly Invitae), Labcorp
Classification: Pathogenic. Last evaluated: 2021-02-26. Review status: criteria provided, single submitter. Criteria: Invitae Variant Classification Sherloc (09022015). Collection method: clinical testing. Allele origin: germline.
Comment: Retrotransposon insertions including LINE1 (L1), Alu, and SVA (SINE-VNTR-Alu) have been reported to be disease-causing through disruption of either a coding region or splice site (PMID: 19763152, 20307669, 22406018) and loss-of-function variants in PCLO are known to be pathogenic (PMID: 25832664, 30287594). This sequence change inserts a large fragment of DNA, likely a transposable element, in exon 5 of the PCLO gene (c.8227_8228ins?), causing a frameshift at codon 2743 (p.Lys2743fs). The exact size and sequence of the insertion cannot be determined by the current assay. However, the insertion is expected to result in an absent or disrupted protein product. This variant is not present in population databases (ExAC no frequency). This variant has not been reported in the literature in individuals with PCLO-related conditions. Algorithms developed to predict the effect of sequence changes on RNA splicing suggest that this variant may create or strengthen a splice site, but this prediction has not been confirmed by published transcriptional studies. For these reasons, this variant has been classified as Pathogenic.

Literature cited by the submitters: PubMed 19763152; PubMed 20307669; PubMed 22406018; PubMed 25832664; PubMed 30287594.

NM_033026.6(PCLO):c.8227_8228insGGCCGGGCGCGGTGGCTCACGCCTGTAATCCCAGCACTTTGGGAGGCCGAGGCGGGCGGATCACGAGGTCAGGAGATCGAGACCATCCCGGCTAAAACGGTGAAACCCCGTCTNNNNNNNNNNAAAAAAAAAAAAAAAAAAAACAACTGATA (p.Lys2743delinsArgProGlyAlaValAlaHisAlaCysAsnProSerThrLeuGlyGlyArgGlyGlyArgIleThrArgSerGlyAspArgAspHisProGlyTer)

Gene: PCLO (piccolo presynaptic cytomatrix protein; minus strand). Cytogenetic location: 7q21.11.
Variant type: Insertion.
Coding change: c.8227_8228insGGCCGGGCGCGGTGGCTCACGCCTGTAATCCCAGCACTTTGGGAGGCCGAGGCGGGCGGATCACGAGGTCAGGAGATCGAGACCATCCCGGCTAAAACGGTGAAACCCCGTCTNNNNNNNNNNAAAAAAAAAAAAAAAAAAAACAACTGATA on transcript NM_033026.6 (MANE Select); coding-DNA positions 8227 to 8228, GGCCGGGCGCGGTGGCTCACGCCTGTAATCCCAGCACTTTGGGAGGCCGAGGCGGGCGGATCACGAGGTCAGGAGATCGAGACCATCCCGGCTAAAACGGTGAAACCCCGTCTNNNNNNNNNNAAAAAAAAAAAAAAAAAAAACAACTGATA inserted.
Protein change: p.Lys2743delinsArgProGlyAlaValAlaHisAlaCysAsnProSerThrLeuGlyGlyArgGlyGlyArgIleThrArgSerGlyAspArgAspHisProGlyTer.
Molecular consequence: nonsense.
Genome position: GRCh38: chr7:82,952,738-82,952,739. GRCh37 (hg19): chr7:82,582,054-82,582,055.
Other names: c.8227_8228insGGCCGGGCGCGGTGGCTCACGCCTGTAATCCCAGCACTTTGGGAGGCCGAGGCGGGCGGATCACGAGGTCAGGAGATCGAGACCATCCCGGCTAAAACGGTGAAACCCCGTCTNNNNNNNNNNAAAAAAAAAAAAAAAAAAAACAACTGATA, p.Lys2743delinsArgProGlyAlaValAlaHisAlaCysAsnProSerThrLeuGlyGlyArgGlyGlyArgIleThrArgSerGlyAspArgAspHisProGlyTer (NM_014510.3).
Identifiers: ClinVar variation 1456597 (VCV001456597.6), dbSNP rs2116435454.